The following is an entry in ClinVar:

NM_001127464.1:c.2573C>T

Gene: ZNF469 (zinc finger protein 469; plus strand).
Variant type: single nucleotide variant.
Identifiers: ClinVar variation 4615455 (VCV004615455.1).

ClinVar aggregate classification (germline): Uncertain significance (1 of 4 stars; one submission).

Conditions:
Cardiovascular phenotype. Identifiers: MedGen CN230736.

Submission:

Ambry Genetics
Classification: Uncertain significance for Cardiovascular phenotype. Last evaluated: 2025-10-05. Review status: criteria provided, single submitter. Criteria: Ambry Variant Classification Scheme 2023. Collection method: clinical testing. Allele origin: germline.
Comment: The p.P858L variant (also known as c.2573C>T), located in coding exon 1 of the ZNF469 gene, results from a C to T substitution at nucleotide position 2573. The proline at codon 858 is replaced by leucine, an amino acid with similar properties. This amino acid position is conserved. In addition, this alteration is predicted to be tolerated by in silico analysis. Based on the available evidence, the clinical significance of this variant remains unclear.